The following is an entry in ClinVar:

ClinVar aggregate classification (germline): Likely benign. Review status: criteria provided, single submitter (1 of 4 stars). 2 submissions from 2 submitters: Likely benign (1). 1 of the submissions does not count toward it. Last evaluated 2026-01-14.

Conditions:
TRPV6-related disorder. Also called: TRPV6-related condition.

Allele frequency attached by ClinVar (database versions not stated): ESP Exome Variant Server 0.00054; 1000 Genomes Project 0.00060; 1000 Genomes Project 30x 0.00062; gnomAD 0.00040; ExAC 0.00054; TOPMed 0.00038.
gnomAD v4.1: 856 of 1,614,098 alleles (0.053%); highest among the groups gnomAD compares: Non-Finnish European, 0.063%; 1 homozygote.

Submissions (2):

Labcorp Genetics (formerly Invitae), Labcorp
Classification: Likely benign. Last evaluated: 2026-01-14. Review status: criteria provided, single submitter. Criteria: Invitae Variant Classification Sherloc (09022015). Collection method: clinical testing. Allele origin: germline.

PreventionGenetics, part of Exact Sciences
Classification: Likely benign for TRPV6-related condition. Last evaluated: 2019-05-14. Review status: no assertion criteria provided. Collection method: clinical testing. Allele origin: germline. Not counted in ClinVar's aggregate classification.
Comment: This variant is classified as likely benign based on ACMG/AMP sequence variant interpretation guidelines (Richards et al. 2015 PMID: 25741868, with internal and published modifications).

NM_018646.6(TRPV6):c.654C>T (p.Ile218=)

Gene: TRPV6 (transient receptor potential cation channel subfamily V member 6; minus strand). Cytogenetic location: 7q34.
Variant type: single nucleotide variant.
Coding change: c.654C>T on transcript NM_018646.6 (MANE Select); coding-DNA position 654, C replaced by T.
Protein change: p.Ile218=; no amino-acid change (isoleucine 218 retained).
Molecular consequence: synonymous variant.
Genome position (GRCh38, 1-based): chr7:142,876,791, G>A on the plus strand (C>T on the coding strand, the complement: TRPV6 is on the minus strand). VCF-style: chr7-142876791-G-A. GRCh37 (hg19) VCF-style: chr7-142574544-G-A.
Other names: c.654C>T (NM_018646.5).
Identifiers: ClinVar variation 2704891 (VCV002704891.5), dbSNP rs138110961, ClinGen allele CA4532792.
Genomic context (GRCh38, chr7:142,876,791, plus strand): 5'-GCTCTTACCCAGGGAGTCCTGGGCCCGGATGTCAGCTCCATGCTCAATGAGCAGCCGCAC[G>A]ATCTCCTCACTGTTCACACAGGCAGCAAAGGACAAAGGGTGCTCCCCTGTGGACACAGAG-3'
Protein context (NP_061116.5, residues 208-228): SFAACVNSEE[Ile218=]VRLLIEHGAD